The following is an entry in ClinVar:

ClinVar aggregate classification (germline): Uncertain significance (1 of 4 stars; one submission).

Conditions:
Duane-radial ray syndrome (DRRS). Also called: ACRORENOOCULAR SYNDROME; DR SYNDROME; DUANE ANOMALY WITH RADIAL RAY ABNORMALITIES AND DEAFNESS; Duane-Radial Ray Syndrome (DRRS) / Okihiro Syndrome; Okihiro Syndrome; Duane-Radial Ray Syndrome/Okihiro Syndrome. Identifiers: Orphanet 93293, Orphanet 959, MedGen C1623209, MONDO:0011812, OMIM 607323. Disease mechanism: gain of function.

Allele frequency attached by ClinVar (database versions not stated): gnomAD exomes below 0.00001 and 0.00001; ExAC 0.00001.
gnomAD v4.1: 3 of 1,614,138 alleles (0.00019%); highest among the groups gnomAD compares: Admixed American, 0.0017%; no homozygotes.

Submission:

Labcorp Genetics (formerly Invitae), Labcorp
Classification: Uncertain significance for Duane-radial ray syndrome. Last evaluated: 2022-02-05. Review status: criteria provided, single submitter. Criteria: Invitae Variant Classification Sherloc (09022015). Collection method: clinical testing. Allele origin: germline.
Comment: This variant is present in population databases (rs746614693, gnomAD 0.003%). This sequence change replaces serine, which is neutral and polar, with leucine, which is neutral and non-polar, at codon 627 of the SALL4 protein (p.Ser627Leu). This variant has not been reported in the literature in individuals affected with SALL4-related conditions. Algorithms developed to predict the effect of missense changes on protein structure and function are either unavailable or do not agree on the potential impact of this missense change (SIFT: "Deleterious"; PolyPhen-2: "Probably Damaging"; Align-GVGD: "Class C0"). In summary, the available evidence is currently insufficient to determine the role of this variant in disease. Therefore, it has been classified as a Variant of Uncertain Significance.

NM_020436.5(SALL4):c.1880C>T (p.Ser627Leu)

Gene: SALL4 (spalt like transcription factor 4; minus strand). Cytogenetic location: 20q13.2.
Variant type: single nucleotide variant.
Coding change: c.1880C>T on transcript NM_020436.5 (MANE Select); coding-DNA position 1880, C replaced by T.
Protein change: p.Ser627Leu; replaces serine 627 with leucine.
Molecular consequence: missense variant. On other transcripts: intron variant (1).
Genome position (GRCh38, 1-based): chr20:51,790,603, G>A on the plus strand (C>T on the coding strand, the complement: SALL4 is on the minus strand). VCF-style: chr20-51790603-G-A. GRCh37 (hg19) VCF-style: chr20-50407142-G-A.
Other names: c.1150+730C>T (NM_001318031.2); short protein forms S627L.
Identifiers: ClinVar variation 1441748 (VCV001441748.8), dbSNP rs746614693, ClinGen allele CA9912217.